The following is an entry in ClinVar:

ClinVar aggregate classification (germline): Uncertain significance. Review status: criteria provided, multiple submitters, no conflicts (2 of 4 stars). 2 submissions from 2 submitters: Uncertain significance (2). Last evaluated 2025-01-20.

Conditions:
Inborn genetic diseases. Identifiers: MedGen C0950123, MeSH D030342.

Allele frequency attached by ClinVar (database versions not stated): gnomAD exomes 0.00001.
gnomAD v4.1: 7 of 1,611,848 alleles (0.00043%); highest among the groups gnomAD compares: Admixed American, 0.012%; no homozygotes.

Submissions (2):

Labcorp Genetics (formerly Invitae), Labcorp
Classification: Uncertain significance. Last evaluated: 2025-01-20. Review status: criteria provided, single submitter. Criteria: Invitae Variant Classification Sherloc (09022015). Collection method: clinical testing. Allele origin: germline.
Comment: This sequence change replaces proline, which is neutral and non-polar, with leucine, which is neutral and non-polar, at codon 117 of the ADCY1 protein (p.Pro117Leu). This variant is present in population databases (no rsID available, gnomAD 0.009%). This variant has not been reported in the literature in individuals affected with ADCY1-related conditions. ClinVar contains an entry for this variant (Variation ID: 2208326). Invitae Evidence Modeling of protein sequence and biophysical properties (such as structural, functional, and spatial information, amino acid conservation, physicochemical variation, residue mobility, and thermodynamic stability) indicates that this missense variant is not expected to disrupt ADCY1 protein function with a negative predictive value of 80%. In summary, the available evidence is currently insufficient to determine the role of this variant in disease. Therefore, it has been classified as a Variant of Uncertain Significance.

Ambry Genetics
Classification: Uncertain significance for Inborn genetic diseases. Last evaluated: 2021-08-13. Review status: criteria provided, single submitter. Criteria: Ambry Variant Classification Scheme 2023. Collection method: clinical testing. Allele origin: germline.

NM_021116.4(ADCY1):c.350C>T (p.Pro117Leu)

Gene: ADCY1 (adenylate cyclase 1; plus strand). Cytogenetic location: 7p12.3.
Variant type: single nucleotide variant.
Coding change: c.350C>T on transcript NM_021116.4 (MANE Select); coding-DNA position 350, C replaced by T.
Protein change: p.Pro117Leu; replaces proline 117 with leucine.
Molecular consequence: missense variant. On other transcripts: 5 prime UTR variant (1).
Genome position (GRCh38, 1-based): chr7:45,574,893, C>T. VCF-style: chr7-45574893-C-T. GRCh37 (hg19) VCF-style: chr7-45614492-C-T.
Other names: c.-326C>T (NM_001281768.2); short protein forms P117L.
Identifiers: ClinVar variation 2208326 (VCV002208326.5), dbSNP rs1314063804, ClinGen allele CA367558531.